The following is an entry in ClinVar:

NM_001297.5(CNGB1):c.2795A>G (p.Asp932Gly)

Gene: CNGB1 (cyclic nucleotide gated channel subunit beta 1; minus strand). Cytogenetic location: 16q21.
Variant type: single nucleotide variant.
Coding change: c.2795A>G on transcript NM_001297.5 (MANE Select); coding-DNA position 2795, A replaced by G.
Protein change: p.Asp932Gly; replaces aspartic acid 932 with glycine.
Molecular consequence: missense variant.
Genome position (GRCh38, 1-based): chr16:57,901,625, T>C on the plus strand (A>G on the coding strand, the complement: CNGB1 is on the minus strand). VCF-style: chr16-57901625-T-C. GRCh37 (hg19) VCF-style: chr16-57935529-T-C.
Other names: c.2777A>G, p.Asp926Gly (NM_001286130.2); short protein forms D932G, D926G.
Identifiers: ClinVar variation 1493050 (VCV001493050.5), dbSNP rs1960393842, ClinGen allele CA396056030.

ClinVar aggregate classification (germline): Uncertain significance (1 of 4 stars; one submission).

Allele frequency attached by ClinVar (database versions not stated): gnomAD exomes below 0.00001; gnomAD 0.00003; TOPMed 0.00003.
gnomAD v4.1: 5 of 1,613,588 alleles (0.00031%); highest among the groups gnomAD compares: Admixed American, 0.0067%; no homozygotes.

Submission:

Labcorp Genetics (formerly Invitae), Labcorp
Classification: Uncertain significance. Last evaluated: 2021-09-01. Review status: criteria provided, single submitter. Criteria: Invitae Variant Classification Sherloc (09022015). Collection method: clinical testing. Allele origin: germline.
Comment: This sequence change replaces aspartic acid with glycine at codon 932 of the CNGB1 protein (p.Asp932Gly). The aspartic acid residue is highly conserved and there is a moderate physicochemical difference between aspartic acid and glycine. This variant is not present in population databases (ExAC no frequency). This variant has not been reported in the literature in individuals affected with CNGB1-related conditions. Algorithms developed to predict the effect of missense changes on protein structure and function are either unavailable or do not agree on the potential impact of this missense change (SIFT: "Deleterious"; PolyPhen-2: "Benign"; Align-GVGD: "Class C65"). Algorithms developed to predict the effect of sequence changes on RNA splicing suggest that this variant may create or strengthen a splice site. In summary, the available evidence is currently insufficient to determine the role of this variant in disease. Therefore, it has been classified as a Variant of Uncertain Significance.